The following is an entry in ClinVar:

NM_138395.4(MARS2):c.2T>A (p.Met1Lys)

Genes: MARS2 (methionyl-tRNA synthetase 2, mitochondrial; plus strand), LOC129935364 (ATAC-STARR-seq lymphoblastoid silent region 12216; plus strand). Cytogenetic location: 2q33.1.
Variant type: single nucleotide variant.
Coding change: c.2T>A on transcript NM_138395.4 (MANE Select); coding-DNA position 2, T replaced by A.
Protein change: p.Met1Lys; changes the start codon (methionine 1).
Molecular consequence: missense variant, initiator codon variant.
Genome position (GRCh38, 1-based): chr2:197,705,407, T>A. VCF-style: chr2-197705407-T-A. GRCh37 (hg19) VCF-style: chr2-198570131-T-A.
Other names: short protein forms M1K.
Identifiers: ClinVar variation 4845889 (VCV004845889.1).
Genomic context (GRCh38, chr2:197,705,407, plus strand): 5'-TGCGCCTCTCACACGTGCTGTCAGAACGCCGCCTCCTCCGCTTGCGGCCGGTCTGCACCA[T>A]GCTGCGAACGTCCGTCCTCCGCCTGCTAGGACGCACGGGGGCTAGTAGGCTGTCTCTCCT-3'
Protein context (NP_612404.1, residues 1-11): [Met1Lys]LRTSVLRLLG

ClinVar aggregate classification (germline): Likely pathogenic (1 of 4 stars; one submission).

Conditions:
Spastic ataxia 3. Also called: Ataxia, spastic, 3, autosomal recessive; AUTOSOMAL RECESSIVE SPASTIC ATAXIA WITH LEUKOENCEPHALOPATHY. Identifiers: Orphanet 314603, MedGen C1969645, MONDO:0012664, OMIM 611390.
Combined oxidative phosphorylation defect type 25. Also called: Combined oxidative phosphorylation deficiency 25. Identifiers: Orphanet 447954, MedGen C5567742, MONDO:0014636, OMIM 616430.

Submission:

First Genomix Gene Laboratory, Genetic Diagnostics Department
Classification: Likely pathogenic for Combined oxidative phosphorylation defect type 25; Spastic ataxia 3. Last evaluated: 2025-05-08. Review status: criteria provided, single submitter. Criteria: ACMG Guidelines, 2015. Collection method: clinical testing. Allele origin: germline. Inheritance: Autosomal recessive inheritance. Affected: no. Observed: 1 variant allele.